The following is an entry in ClinVar:

NM_001005388.3(NFASC):c.2785C>T (p.Pro929Ser)

Gene: NFASC (neurofascin; plus strand). Cytogenetic location: 1q32.1.
Variant type: single nucleotide variant.
Coding change: c.2785C>T on transcript NM_001005388.3 (MANE Select); coding-DNA position 2785, C replaced by T.
Protein change: p.Pro929Ser; replaces proline 929 with serine.
Molecular consequence: missense variant. On other transcripts: intron variant (4).
Genome position (GRCh38, 1-based): chr1:204,997,172, C>T. VCF-style: chr1-204997172-C-T. GRCh37 (hg19) VCF-style: chr1-204966300-C-T.
Other names: c.3106C>T, p.Pro1036Ser (NM_001378329.1); c.3091+5866C>T (NM_001160332.2); c.3076+8366C>T (NM_015090.4); c.2755+8366C>T (NM_001365986.1); c.3136+5866C>T (NM_001160331.2); short protein forms P929S, P1036S.
Identifiers: ClinVar variation 2602393 (VCV002602393.4), dbSNP rs114428700, ClinGen allele CA1350517.

ClinVar aggregate classification (germline): Likely benign. Review status: criteria provided, single submitter (1 of 4 stars). 2 submissions from 2 submitters: Likely benign (1). 1 of the submissions does not count toward it. Last evaluated 2023-06-30.

Conditions:
NFASC-related disorder. Also called: NFASC-related condition.
Inborn genetic diseases. Identifiers: MedGen C0950123, MeSH D030342.

Allele frequency attached by ClinVar (database versions not stated): gnomAD exomes 0.00019; ExAC 0.00066; gnomAD 0.00198; 1000 Genomes Project 30x 0.00234; TOPMed 0.00235; 1000 Genomes Project 0.00260; ESP Exome Variant Server 0.00262.
gnomAD v4.1: 599 of 1,609,098 alleles (0.037%); highest among the groups gnomAD compares: African/African-American, 0.69%; 1 homozygote.

Submissions (2):

Ambry Genetics
Classification: Likely benign for Inborn genetic diseases. Last evaluated: 2023-06-30. Review status: criteria provided, single submitter. Criteria: Ambry Variant Classification Scheme 2023. Collection method: clinical testing. Allele origin: germline.

PreventionGenetics, part of Exact Sciences
Classification: Benign for NFASC-related condition. Last evaluated: 2019-06-12. Review status: no assertion criteria provided. Collection method: clinical testing. Allele origin: germline. Not counted in ClinVar's aggregate classification.
Comment: This variant is classified as benign based on ACMG/AMP sequence variant interpretation guidelines (Richards et al. 2015 PMID: 25741868, with internal and published modifications).